The following is an entry in ClinVar:

ClinVar aggregate classification (germline): Uncertain significance (1 of 4 stars; one submission).

Conditions:
Nemaline myopathy 2 (NEM2). Also called: Nemaline myopathy 2, autosomal recessive. Identifiers: MedGen C1850569, MONDO:0009725, OMIM 256030.

Submission:

Labcorp Genetics (formerly Invitae), Labcorp
Classification: Uncertain significance for Nemaline myopathy 2. Last evaluated: 2021-08-09. Review status: criteria provided, single submitter. Criteria: Invitae Variant Classification Sherloc (09022015). Collection method: clinical testing. Allele origin: germline.
Comment: This sequence change falls in intron 115 of the NEB gene. It does not directly change the encoded amino acid sequence of the NEB protein. This variant is not present in population databases (ExAC no frequency). This variant has not been reported in the literature in individuals affected with NEB-related conditions. Experimental studies and prediction algorithms are not available or were not evaluated, and the effect of this variant on mRNA splicing is currently unknown. In summary, the available evidence is currently insufficient to determine the role of this variant in disease. Therefore, it has been classified as a Variant of Uncertain Significance.

NM_001164508.2(NEB):c.18261+19_18261+21del

Gene: NEB (nebulin; minus strand). Cytogenetic location: 2q23.3.
Variant type: Deletion.
Coding change: c.18261+19_18261+21del on transcript NM_001164508.2 (MANE Select); bases 19 to 21 of the intron after coding-DNA position 18261, 3 bases deleted (CCT; older notation c.18261+19_18261+21delCCT).
Molecular consequence: intron variant.
Genome position (GRCh38, 1-based): chr2:151,565,695-151,565,697, AGG deleted on the plus strand (CCT on the coding strand, the reverse complement: NEB is on the minus strand); deleting any 3 consecutive bases within chr2:151,565,695-151,565,699 gives the same sequence; the c. name uses the placement nearest the transcript's 3' end. VCF-style (leftmost placement, unchanged base first): chr2-151565694-AAGG-A. GRCh37 (hg19) VCF-style: chr2-152422208-AAGG-A.
Other names: c.13158+19_13158+21del (NM_004543.5); c.18261+19_18261+21del (NM_001164507.2, NM_001271208.2).
Identifiers: ClinVar variation 1520163 (VCV001520163.3), dbSNP rs1319324645, ClinGen allele CA536646152.